The following is an entry in ClinVar:

ClinVar aggregate classification (germline): Uncertain significance (1 of 4 stars; one submission).

Conditions:
Inborn genetic diseases. Identifiers: MedGen C0950123, MeSH D030342.

Submission:

Ambry Genetics
Classification: Uncertain significance for Inborn genetic diseases. Last evaluated: 2026-06-21. Review status: criteria provided, single submitter. Criteria: Ambry Variant Classification Scheme 2023. Collection method: clinical testing. Allele origin: germline.
Comment: The p.G392R variant (also known as c.1174G>C), located in coding exon 5 of the GATA2 gene, results from a G to C substitution at nucleotide position 1174. The glycine at codon 392 is replaced by arginine, an amino acid with dissimilar properties. This amino acid position is highly conserved in available vertebrate species. In addition, this alteration is predicted to be deleterious by in silico analysis. Based on the available evidence, the clinical significance of this variant remains unclear.

NM_032638.5(GATA2):c.1174G>C (p.Gly392Arg)

Gene: GATA2 (GATA binding protein 2; minus strand). Cytogenetic location: 3q21.3.
Variant type: single nucleotide variant.
Coding change: c.1174G>C on transcript NM_032638.5 (MANE Select); coding-DNA position 1174, G replaced by C.
Protein change: p.Gly392Arg; replaces glycine 392 with arginine.
Molecular consequence: missense variant.
Genome position (GRCh38, 1-based): chr3:128,481,288, C>G on the plus strand (G>C on the coding strand, the complement: GATA2 is on the minus strand). VCF-style: chr3-128481288-C-G. GRCh37 (hg19) VCF-style: chr3-128200131-C-G.
Other names: c.1174G>C, p.Gly392Arg (NM_001145661.2); c.1132G>C, p.Gly378Arg (NM_001145662.1); short protein forms G378R, G392R.
Identifiers: ClinVar variation 5022173 (VCV005022173.1).